The following is an entry in ClinVar:

ClinVar aggregate classification (germline): Uncertain significance. Review status: criteria provided, multiple submitters, no conflicts (2 of 4 stars). 3 submissions from 3 submitters: Uncertain significance (3). Last evaluated 2022-02-03.

Conditions:
Inborn genetic diseases. Identifiers: MedGen C0950123, MeSH D030342.

Allele frequency attached by ClinVar (database versions not stated): ExAC 0.00002; gnomAD exomes 0.00002 and 0.00003; gnomAD 0.00003 and 0.00004; TOPMed 0.00005.
gnomAD v4.1: 32 of 1,613,964 alleles (0.002%); highest among the groups gnomAD compares: South Asian, 0.0088%; 1 homozygote.

Submissions (3):

Labcorp Genetics (formerly Invitae), Labcorp
Classification: Uncertain significance. Last evaluated: 2022-02-03. Review status: criteria provided, single submitter. Criteria: Invitae Variant Classification Sherloc (09022015). Collection method: clinical testing. Allele origin: germline.
Comment: ClinVar contains an entry for this variant (Variation ID: 1012086). In summary, the available evidence is currently insufficient to determine the role of this variant in disease. Therefore, it has been classified as a Variant of Uncertain Significance. Advanced modeling of protein sequence and biophysical properties (such as structural, functional, and spatial information, amino acid conservation, physicochemical variation, residue mobility, and thermodynamic stability) performed at Invitae indicates that this missense variant is expected to disrupt GRM6 protein function. This variant has not been reported in the literature in individuals affected with GRM6-related conditions. This variant is present in population databases (rs111526982, gnomAD 0.01%). This sequence change replaces arginine, which is basic and polar, with glutamine, which is neutral and polar, at codon 469 of the GRM6 protein (p.Arg469Gln).

Ambry Genetics
Classification: Uncertain significance for Inborn genetic diseases. Last evaluated: 2021-09-17. Review status: criteria provided, single submitter. Criteria: Ambry Variant Classification Scheme 2023. Collection method: clinical testing. Allele origin: germline.

Breakthrough Genomics
Classification: Uncertain significance. Review status: criteria provided, single submitter. Criteria: ACMG Guidelines, 2015. Collection method: not provided. Allele origin: germline. Inheritance: Autosomal recessive inheritance. Affected: yes.

NM_000843.4(GRM6):c.1406G>A (p.Arg469Gln)

Genes: GRM6 (glutamate metabotropic receptor 6; minus strand), ZNF454 (zinc finger protein 454; plus strand). Cytogenetic location: 5q35.3.
Variant type: single nucleotide variant.
Coding change: c.1406G>A on transcript NM_000843.4 (MANE Select); coding-DNA position 1406, G replaced by A.
Protein change: p.Arg469Gln; replaces arginine 469 with glutamine.
Molecular consequence: missense variant.
Genome position (GRCh38, 1-based): chr5:178,986,932, C>T on the plus strand (G>A on the coding strand, the complement: GRM6 is on the minus strand). VCF-style: chr5-178986932-C-T. GRCh37 (hg19) VCF-style: chr5-178413933-C-T.
Other names: c.1406G>A (NM_000843.3); short protein forms R469Q.
Identifiers: ClinVar variation 1012086 (VCV001012086.8), dbSNP rs111526982, ClinGen allele CA3594058.
Genomic context (GRCh38, chr5:178,986,932, plus strand): 5'-GCCTGGTACCCGCCACTGCTGGCACTGCCATTGGTCGCCTGGTACTGGAAGATGTCGTAC[C>T]GCCCGGGCGCATCTCCGTTCTCGTTGAACATCACAGGGGTTCCTGCGCTGCCTGGAGAGA-3'
Protein context (NP_000834.2, residues 459-479): MFNENGDAPG[Arg469Gln]YDIFQYQATN